The following is an entry in ClinVar:

NM_001365536.1(SCN9A):c.5040T>A (p.Asn1680Lys)

Genes: SCN9A (sodium voltage-gated channel alpha subunit 9; minus strand), SCN1A-AS1 (SCN1A and SCN9A antisense RNA 1; plus strand). Cytogenetic location: 2q24.3.
Variant type: single nucleotide variant.
Coding change: c.5040T>A on transcript NM_001365536.1 (MANE Select); coding-DNA position 5040, T replaced by A.
Protein change: p.Asn1680Lys; replaces asparagine 1680 with lysine.
Molecular consequence: missense variant.
Genome position (GRCh38, 1-based): chr2:166,199,599, A>T on the plus strand (T>A on the coding strand, the complement: SCN9A is on the minus strand). VCF-style: chr2-166199599-A-T. GRCh37 (hg19) VCF-style: chr2-167056109-A-T.
Other names: c.5007T>A, p.Asn1669Lys (NM_002977.4); short protein forms N1680K, N1669K.
Identifiers: ClinVar variation 2940667 (VCV002940667.3), dbSNP rs2468878208, ClinGen allele CA349054849.

ClinVar aggregate classification (germline): Uncertain significance (1 of 4 stars; one submission).

Conditions:
Neuropathy, hereditary sensory and autonomic, type 2A (HSAN2A). Also called: ACROOSTEOLYSIS, GIACCAI TYPE; ACROOSTEOLYSIS, NEUROGENIC; MORVAN DISEASE; NEUROPATHY, CONGENITAL SENSORY; NEUROPATHY, HEREDITARY SENSORY RADICULAR, AUTOSOMAL RECESSIVE; NEUROPATHY, HEREDITARY SENSORY, TYPE IIA. Identifiers: Orphanet 970, MedGen C2752089, MONDO:0024309, OMIM 201300.
Generalized epilepsy with febrile seizures plus, type 7 (GEFSP7). Also called: GEFS+, TYPE 7. Identifiers: Orphanet 36387, MedGen C2751778, MONDO:0013470, OMIM 613863.

Allele frequency attached by ClinVar (database versions not stated): gnomAD exomes below 0.00001.
gnomAD v4.1: 2 of 1,614,228 alleles (0.00012%); highest among the groups gnomAD compares: Non-Finnish European, 0.00017%; no homozygotes.

Submission:

Labcorp Genetics (formerly Invitae), Labcorp
Classification: Uncertain significance for Neuropathy, hereditary sensory and autonomic, type 2A; Generalized epilepsy with febrile seizures plus, type 7. Last evaluated: 2023-08-06. Review status: criteria provided, single submitter. Criteria: Invitae Variant Classification Sherloc (09022015). Collection method: clinical testing. Allele origin: germline.
Comment: This variant is not present in population databases (gnomAD no frequency). In summary, the available evidence is currently insufficient to determine the role of this variant in disease. Therefore, it has been classified as a Variant of Uncertain Significance. Advanced modeling of protein sequence and biophysical properties (such as structural, functional, and spatial information, amino acid conservation, physicochemical variation, residue mobility, and thermodynamic stability) has been performed at Invitae for this missense variant, however the output from this modeling did not meet the statistical confidence thresholds required to predict the impact of this variant on SCN9A protein function. This variant has not been reported in the literature in individuals affected with SCN9A-related conditions. This sequence change replaces asparagine, which is neutral and polar, with lysine, which is basic and polar, at codon 1669 of the SCN9A protein (p.Asn1669Lys).